The following is an entry in ClinVar:

ClinVar aggregate classification (germline): Conflicting classifications of pathogenicity. Review status: criteria provided, conflicting classifications (1 of 4 stars). 9 submissions from 6 submitters: Uncertain significance (4); Likely benign (5). Last evaluated 2026-04-07.

Conditions:
Hereditary cancer-predisposing syndrome. Also called: Tumor predisposition; Neoplastic Syndromes, Hereditary; Hereditary neoplastic syndrome; Hereditary Cancer Syndrome. Identifiers: Orphanet 140162, MedGen C0027672, MeSH D009386, MONDO:0015356.
Neurofibromatosis, familial spinal (FSNF). Identifiers: Orphanet 636, MedGen C1834235, MONDO:0008078, OMIM 162210. Disease mechanism: loss of function.
Café-au-lait macules with pulmonary stenosis (WTSN). Also called: PULMONIC STENOSIS WITH CAFE-AU-LAIT SPOTS. Identifiers: MedGen C0553586, MONDO:0008672, OMIM 193520.
Neurofibromatosis-Noonan syndrome (NFNS). Also called: NEUROFIBROMATOSIS WITH NOONAN PHENOTYPE. Identifiers: Orphanet 638, MedGen C2931482, MONDO:0011035, OMIM 601321. Disease mechanism: loss of function.
Neurofibromatosis, type 1 (NF1). Also called: NEUROFIBROMATOSIS, TYPE I, SOMATIC; Peripheral type neurofibromatosis; VON RECKLINGHAUSEN DISEASE; Neurofibromatosis, type I. Identifiers: Orphanet 636, MedGen C0027831, MONDO:0018975, OMIM 162200. Disease mechanism: loss of function.

Allele frequency attached by ClinVar (database versions not stated): gnomAD exomes 0.00005.
gnomAD v4.1: 52 of 1,316,058 alleles (0.004%); highest among the groups gnomAD compares: Middle Eastern, 0.023%; no homozygotes.

Submissions (9):

Institute for Biomarker Research, Medical Diagnostic Laboratories, L.L.C.
Classification: Likely benign for Hereditary cancer-predisposing syndrome. Last evaluated: 2026-04-07. Review status: criteria provided, single submitter. Criteria: ACMG Guidelines, 2015. Collection method: clinical testing. Allele origin: germline.
Comment: The synonymous variant NM_000267.3(NF1):c.3213A>G (p.Ala1071=) has not been reported previously as a pathogenic variant, to our knowledge (Accession: VCV000185313.18). The p.Ala1071= variant is novel (not in any individuals) in gnomAD. The p.Ala1071= variant is novel (not in any individuals) in 1kG. The p.Ala1071= variant is not predicted to disrupt the existing acceptor splice site 16bp upstream by any splice site algorithm. The p.Ala1071= variant results in a substitution of a base that is not predicted conserved by GERP++ and PhyloP. For these reasons, this variant has been classified as Likely Benign.

Labcorp Genetics (formerly Invitae), Labcorp
Classification: Likely benign for Neurofibromatosis, type 1. Last evaluated: 2026-01-12. Review status: criteria provided, single submitter. Criteria: Invitae Variant Classification Sherloc (09022015). Collection method: clinical testing. Allele origin: germline.

Blueprint Genetics
Classification: Likely benign. Last evaluated: 2022-11-30. Review status: criteria provided, single submitter. Criteria: ACMG Guidelines, 2015. Collection method: clinical testing. Allele origin: germline.

Sema4
Classification: Likely benign for Hereditary cancer-predisposing syndrome. Last evaluated: 2021-02-22. Review status: criteria provided, single submitter. Criteria: Sema4 Curation Guidelines. Collection method: curation. Allele origin: germline.

Illumina Laboratory Services, Illumina
Classification: Uncertain significance for Café-au-lait macules with pulmonary stenosis. Last evaluated: 2018-01-13. Review status: criteria provided, single submitter. Criteria: ICSL Variant Classification Criteria 13 December 2019. Collection method: clinical testing. Allele origin: germline.

Illumina Laboratory Services, Illumina
Classification: Uncertain significance for Neurofibromatosis, type 1. Last evaluated: 2018-01-13. Review status: criteria provided, single submitter. Criteria: ICSL Variant Classification Criteria 13 December 2019. Collection method: clinical testing. Allele origin: germline.

Illumina Laboratory Services, Illumina
Classification: Uncertain significance for Neurofibromatosis, familial spinal. Last evaluated: 2018-01-13. Review status: criteria provided, single submitter. Criteria: ICSL Variant Classification Criteria 13 December 2019. Collection method: clinical testing. Allele origin: germline.

Illumina Laboratory Services, Illumina
Classification: Uncertain significance for Neurofibromatosis-Noonan syndrome. Last evaluated: 2018-01-13. Review status: criteria provided, single submitter. Criteria: ICSL Variant Classification Criteria 13 December 2019. Collection method: clinical testing. Allele origin: germline.

Ambry Genetics
Classification: Likely benign for Hereditary cancer-predisposing syndrome. Last evaluated: 2014-06-16. Review status: criteria provided, single submitter. Criteria: Ambry Autosomal Dominant and X-Linked criteria (10/2015). Collection method: clinical testing. Allele origin: germline. Observed: 1 variant allele.

NM_001042492.3(NF1):c.3213A>G (p.Ala1071=)

Gene: NF1 (neurofibromin 1; plus strand). Cytogenetic location: 17q11.2.
Variant type: single nucleotide variant.
Coding change: c.3213A>G on transcript NM_001042492.3 (MANE Select); coding-DNA position 3213, A replaced by G.
Protein change: p.Ala1071=; no amino-acid change (alanine 1071 retained).
Molecular consequence: synonymous variant.
Genome position (GRCh38, 1-based): chr17:31,232,088, A>G. VCF-style: chr17-31232088-A-G. GRCh37 (hg19) VCF-style: chr17-29559106-A-G.
Other names: c.3213A>G, p.Ala1071= (NM_000267.4).
Identifiers: ClinVar variation 185313 (VCV000185313.20), dbSNP rs786202077, ClinGen allele CA191602.